The following is an entry in ClinVar:

NM_000264.5(PTCH1):c.3843C>G (p.Asn1281Lys)

Gene: PTCH1 (patched 1; minus strand). Cytogenetic location: 9q22.32.
Variant type: single nucleotide variant.
Coding change: c.3843C>G on transcript NM_000264.5 (MANE Select); coding-DNA position 3843, C replaced by G.
Protein change: p.Asn1281Lys; replaces asparagine 1281 with lysine.
Molecular consequence: missense variant. On other transcripts: non-coding transcript variant (1).
Genome position (GRCh38, 1-based): chr9:95,447,413, G>C on the plus strand (C>G on the coding strand, the complement: PTCH1 is on the minus strand). VCF-style: chr9-95447413-G-C. GRCh37 (hg19) VCF-style: chr9-98209695-G-C.
Other names: c.3645C>G, p.Asn1215Lys (NM_001083602.3); c.3840C>G, p.Asn1280Lys (NM_001083603.3); c.3390C>G, p.Asn1130Lys (NM_001083604.3, NM_001083605.3, NM_001083606.3 and 1 more transcripts); c.3687C>G, p.Asn1229Lys (NM_001354918.2); short protein forms N1229K, N1130K, N1280K, N1215K, N1281K.
Identifiers: ClinVar variation 1735450 (VCV001735450.6), dbSNP rs765729268, ClinGen allele CA374110811.

ClinVar aggregate classification (germline): Conflicting classifications of pathogenicity. Review status: criteria provided, conflicting classifications (1 of 4 stars). 2 submissions from 2 submitters: Uncertain significance (1); Likely benign (1). Last evaluated 2026-07-08.

Conditions:
Gorlin syndrome. Also called: Nevoid Basal Cell Carcinoma Syndrome; Basal cell nevus syndrome. Identifiers: Orphanet 377, MedGen C0004779, MONDO:0007187.
Hereditary cancer-predisposing syndrome. Also called: Hereditary Cancer Syndrome; Hereditary neoplastic syndrome; Neoplastic Syndromes, Hereditary; Tumor predisposition. Identifiers: Orphanet 140162, MedGen C0027672, MeSH D009386, MONDO:0015356.

Submissions (2):

Ambry Genetics
Classification: Likely benign for Hereditary cancer-predisposing syndrome. Last evaluated: 2026-07-08. Review status: criteria provided, single submitter. Criteria: Ambry Variant Classification Scheme 2023. Collection method: clinical testing. Allele origin: germline.

Labcorp Genetics (formerly Invitae), Labcorp
Classification: Uncertain significance for Gorlin syndrome. Last evaluated: 2023-05-24. Review status: criteria provided, single submitter. Criteria: Invitae Variant Classification Sherloc (09022015). Collection method: clinical testing. Allele origin: germline.
Comment: In summary, the available evidence is currently insufficient to determine the role of this variant in disease. Therefore, it has been classified as a Variant of Uncertain Significance. Advanced modeling of protein sequence and biophysical properties (such as structural, functional, and spatial information, amino acid conservation, physicochemical variation, residue mobility, and thermodynamic stability) performed at Invitae indicates that this missense variant is not expected to disrupt PTCH1 protein function. ClinVar contains an entry for this variant (Variation ID: 1735450). This variant has not been reported in the literature in individuals affected with PTCH1-related conditions. This variant is not present in population databases (gnomAD no frequency). This sequence change replaces asparagine, which is neutral and polar, with lysine, which is basic and polar, at codon 1281 of the PTCH1 protein (p.Asn1281Lys).